The following is an entry in ClinVar:

ClinVar aggregate classification (germline): Benign. Review status: criteria provided, multiple submitters, no conflicts (2 of 4 stars). 2 submissions from 2 submitters: Benign (2). Last evaluated 2026-02-01.

Conditions:
Autoimmune lymphoproliferative syndrome type 1. Also called: AUTOIMMUNE LYMPHOPROLIFERATIVE SYNDROME, TYPE I, AUTOSOMAL DOMINANT. Identifiers: Orphanet 3261, MedGen C2717884, MONDO:0011158, OMIM 601859.

Allele frequency attached by ClinVar (database versions not stated): TOPMed 0.00007; 1000 Genomes Project 30x 0.00125; gnomAD 0.00001 and 0.00022; 1000 Genomes Project 0.00140.
gnomAD v4.1: 648 of 1,614,214 alleles (0.04%); highest among the groups gnomAD compares: South Asian, 0.63%; 6 homozygotes.

Submissions (2):

Labcorp Genetics (formerly Invitae), Labcorp
Classification: Benign for Autoimmune lymphoproliferative syndrome. Last evaluated: 2026-02-01. Review status: criteria provided, single submitter. Criteria: Invitae Variant Classification Sherloc (09022015). Collection method: clinical testing. Allele origin: germline.

Illumina Laboratory Services, Illumina
Classification: Benign for Autoimmune lymphoproliferative syndrome type 1. Last evaluated: 2018-01-13. Review status: criteria provided, single submitter. Criteria: ICSL Variant Classification Criteria 13 December 2019. Collection method: clinical testing. Allele origin: germline.
Comment: This variant was observed in the ICSL laboratory as part of a predisposition screen in an ostensibly healthy population. It had not been previously curated by ICSL or reported in the Human Gene Mutation Database (HGMD: prior to June 1st, 2018), and was therefore a candidate for classification through an automated scoring system. Utilizing variant allele frequency, disease prevalence and penetrance estimates, and inheritance mode, an automated score was calculated to assess if this variant is too frequent to cause the disease. Based on the score and internal cut-off values, a variant classified as benign is not then subjected to further curation. The score for this variant resulted in a classification of benign for this disease.

NM_000043.6(FAS):c.30+12C>T

Genes: ACTA2 (actin alpha 2, smooth muscle; minus strand), FAS (Fas cell surface death receptor; plus strand). Cytogenetic location: 10q23.31.
Variant type: single nucleotide variant.
Coding change: c.30+12C>T on transcript NM_000043.6 (MANE Select); 12 bases into the intron after coding-DNA position 30, C replaced by T.
Molecular consequence: intron variant. On other transcripts: 5 prime UTR variant (1).
Genome position (GRCh38, 1-based): chr10:88,990,918, C>T. VCF-style: chr10-88990918-C-T. GRCh37 (hg19) VCF-style: chr10-90750675-C-T.
Other names: c.-220C>T (NM_001410956.1); c.-24+104G>A (NM_001406467.1, NM_001320855.2); c.-182+104G>A (NM_001406462.1); c.-24+21G>A (NM_001406468.1, NM_001406471.1, NM_001141945.3); c.-182+21G>A (NM_001406463.1); c.30+12C>T (NM_152872.4, NM_001320619.2, NM_152871.4).
Identifiers: ClinVar variation 878040 (VCV000878040.13), dbSNP rs558072404, ClinGen allele CA045940.